The following is an entry in ClinVar:

ClinVar aggregate classification (germline): Benign. Review status: criteria provided, single submitter (1 of 4 stars). 2 submissions from 2 submitters: Benign (1). 1 of the submissions does not count toward it. Last evaluated 2024-02-02.

Conditions:
Cognitive impairment - coarse facies - heart defects - obesity - pulmonary involvement - short stature - skeletal dysplasia syndrome. Also called: AFF4-Related CHOPS Syndrome; COGNITIVE IMPAIRMENT, COARSE FACIES, HEART DEFECTS, OBESITY, PULMONARY INVOLVEMENT, SHORT STATURE, AND SKELETAL DYSPLASIA; Chops syndrome. Identifiers: Orphanet 444077, MedGen C4085597, MONDO:0014609, OMIM 616368.
AFF4-related disorder. Also called: AFF4-related condition.

Submissions (2):

Labcorp Genetics (formerly Invitae), Labcorp
Classification: Benign for Cognitive impairment - coarse facies - heart defects - obesity - pulmonary involvement - short stature - skeletal dysplasia syndrome. Last evaluated: 2024-02-02. Review status: criteria provided, single submitter. Criteria: Invitae Variant Classification Sherloc (09022015). Collection method: clinical testing. Allele origin: germline.

PreventionGenetics, part of Exact Sciences
Classification: Likely benign for AFF4-related condition. Last evaluated: 2022-05-13. Review status: no assertion criteria provided. Collection method: clinical testing. Allele origin: germline. Not counted in ClinVar's aggregate classification.
Comment: This variant is classified as likely benign based on ACMG/AMP sequence variant interpretation guidelines (Richards et al. 2015 PMID: 25741868, with internal and published modifications).

NM_014423.4(AFF4):c.124-5dup

Gene: AFF4 (ALF transcription elongation factor 4; minus strand). Cytogenetic location: 5q31.1.
Variant type: Duplication.
Coding change: c.124-5dup on transcript NM_014423.4 (MANE Select); 5 bases into the intron before coding-DNA position 124, one base duplicated (T; older notation c.124-5dupT).
Molecular consequence: intron variant.
Genome position (GRCh38, 1-based): chr5:132,934,946, A duplicated on the plus strand (T on the coding strand, the reverse complement: AFF4 is on the minus strand); the first of 7 consecutive A bases (chr5:132,934,946-132,934,952); duplicating any one gives the same sequence. VCF-style (leftmost placement, unchanged base first): chr5-132934945-C-CA. GRCh37 (hg19) VCF-style: chr5-132270637-C-CA.
Other names: c.124-5dupT (NM_014423.3).
Identifiers: ClinVar variation 2742470 (VCV002742470.4), dbSNP rs754989772, ClinGen allele CA3409481.